The following is an entry in ClinVar:

ClinVar aggregate classification (germline): Likely benign. Review status: criteria provided, multiple submitters, no conflicts (2 of 4 stars). 4 submissions from 4 submitters: Likely benign (3). 1 of the submissions does not count toward it. Last evaluated 2026-01-10.

Conditions:
Oto-palato-digital syndrome, type II (OPD2). Also called: OPD II SYNDROME; FACIOPALATOOSSEOUS SYNDROME; Otopalatodigital Syndrome Type 2 (FLNA-OPD2); Otopalatodigital Syndrome, Type II. Identifiers: Orphanet 669, Orphanet 90652, MedGen C1844696, MONDO:0010571, OMIM 304120.
Melnick-Needles syndrome (MNS). Also called: MELNICK-NEEDLES OSTEODYSPLASTY; OSTEODYSPLASTY OF MELNICK AND NEEDLES; Melnick-Needles Syndrome (FLNA-MNS). Identifiers: Orphanet 2484, MedGen C0025237, MONDO:0010650, OMIM 309350.
Frontometaphyseal dysplasia (FMD1). Identifiers: Orphanet 1826, MedGen C0265293, MONDO:0015942.
Heterotopia, periventricular, X-linked dominant (PVNH1). Also called: PERIVENTRICULAR NODULAR HETEROTOPIA 1; PERIVENTRICULAR NODULAR HETEROTOPIA 4; HETEROTOPIA, PERIVENTRICULAR, 1; X-linked periventricular heterotopia. Identifiers: Orphanet 2149, Orphanet 82004, MedGen C1848213, MONDO:0010233, OMIM 300049.
FLNA-related disorder.
Familial thoracic aortic aneurysm and aortic dissection (TAAD). Also called: Thoracic aortic aneurysms and dissections. Identifiers: Orphanet 91387, MedGen C4707243, MONDO:0019625.

Allele frequency attached by ClinVar (database versions not stated): TOPMed 0.00001.
gnomAD v4.1: 15 of 1,202,041 alleles (0.0012%); highest among the groups gnomAD compares: East Asian, 0.012%; no homozygotes.

Submissions (4):

Labcorp Genetics (formerly Invitae), Labcorp
Classification: Likely benign for Oto-palato-digital syndrome, type II; Heterotopia, periventricular, X-linked dominant; Frontometaphyseal dysplasia; Melnick-Needles syndrome. Last evaluated: 2026-01-10. Review status: criteria provided, single submitter. Criteria: Invitae Variant Classification Sherloc (09022015). Collection method: clinical testing. Allele origin: germline.

Blueprint Genetics
Classification: Likely benign. Last evaluated: 2022-07-17. Review status: criteria provided, single submitter. Criteria: ACMG Guidelines, 2015. Collection method: clinical testing. Allele origin: germline.

Ambry Genetics
Classification: Likely benign for Familial thoracic aortic aneurysm and aortic dissection. Last evaluated: 2016-12-14. Review status: criteria provided, single submitter. Criteria: Ambry Variant Classification Scheme 2023. Collection method: clinical testing. Allele origin: germline.

PreventionGenetics, part of Exact Sciences
Classification: Likely benign for FLNA-related condition. Last evaluated: 2019-02-26. Review status: no assertion criteria provided. Collection method: clinical testing. Allele origin: germline. Not counted in ClinVar's aggregate classification.
Comment: This variant is classified as likely benign based on ACMG/AMP sequence variant interpretation guidelines (Richards et al. 2015 PMID: 25741868, with internal and published modifications).

NM_001110556.2(FLNA):c.2310C>T (p.Asn770=)

Gene: FLNA (filamin A; minus strand). Cytogenetic location: Xq28.
Variant type: single nucleotide variant.
Coding change: c.2310C>T on transcript NM_001110556.2 (MANE Select); coding-DNA position 2310, C replaced by T.
Protein change: p.Asn770=; no amino-acid change (asparagine 770 retained).
Molecular consequence: synonymous variant.
Genome position (GRCh38, 1-based): chrX:154,362,755, G>A on the plus strand (C>T on the coding strand, the complement: FLNA is on the minus strand). VCF-style: chrX-154362755-G-A. GRCh37 (hg19) VCF-style: chrX-153591123-G-A.
Other names: c.2310C>T (NM_001110556.1); c.2310C>T, p.Asn770= (NM_001456.4).
Identifiers: ClinVar variation 413411 (VCV000413411.19), dbSNP rs202109957, ClinGen allele CA10560958.